The following is an entry in ClinVar:

ClinVar aggregate classification (germline): Likely pathogenic. Review status: criteria provided, multiple submitters, no conflicts (2 of 4 stars). 2 submissions from 2 submitters: Likely pathogenic (2). Last evaluated 2024-10-04.

Conditions:
Chédiak-Higashi syndrome (CHS). Also called: Chediak-Higashi Syndrome. Identifiers: Orphanet 167, MedGen C0007965, MONDO:0008963, OMIM 214500.

Submissions (2):

Dubai Health Genomic Medicine Center, Dubai Health
Classification: Likely pathogenic for Chediak-Higashi syndrome. Last evaluated: 2024-10-04. Review status: criteria provided, single submitter. Criteria: ACMG Guidelines, 2015. Collection method: research. Allele origin: germline. Affected: yes.
Comment: PVS1,PM2

Neuberg Centre For Genomic Medicine, NCGM
Classification: Likely pathogenic for Chédiak-Higashi syndrome. Review status: criteria provided, single submitter. Criteria: ACMG Guidelines, 2015. Collection method: clinical testing. Allele origin: germline. Inheritance: Autosomal recessive inheritance. Affected: yes.
Comment: The frameshift c.2374_2375del p.Asp792PhefsTer6 variant in the LYST gene has not been reported previously as a pathogenic variant nor as a benign variant, to our knowledge. The variant is novel not in any individuals in gnomAD Exomes and 1000 Genomes. This variant causes a frameshift starting with codon Aspartic Acid 792, changes this amino acid to Phenylalanine residue, and creates a premature Stop codon at position 6 of the new reading frame, denoted p.Asp792PhefsTer6. This variant is predicted to cause loss of normal protein function through protein truncation. Loss of function variants have been previously reported to be disease causing. For these reasons, this variant has been classified as Likely Pathogenic.

NM_000081.4(LYST):c.2374_2375del (p.Asp792fs)

Gene: LYST (lysosomal trafficking regulator; minus strand). Cytogenetic location: 1q42.3.
Variant type: Microsatellite.
Coding change: c.2374_2375del on transcript NM_000081.4 (MANE Select); coding-DNA positions 2374 to 2375, 2 bases deleted (GA; older notation c.2374_2375delGA).
Protein change: p.Asp792fs; shifts the reading frame from aspartic acid 792.
Molecular consequence: frameshift variant.
Genome position (GRCh38, 1-based): chr1:235,806,761-235,806,762, TC deleted on the plus strand (GA on the coding strand, the reverse complement: LYST is on the minus strand); deleting any 2 consecutive bases within chr1:235,806,761-235,806,765 gives the same sequence; the c. name uses the placement nearest the transcript's 3' end. VCF-style (leftmost placement, unchanged base first): chr1-235806760-ATC-A. GRCh37 (hg19) VCF-style: chr1-235970060-ATC-A.
Other names: c.2374_2375del, p.Asp792fs (NM_001301365.1); short protein forms D792fs.
Identifiers: ClinVar variation 3234863 (VCV003234863.2), dbSNP rs2527087129, ClinGen allele CA2586968467.